The following is an entry in ClinVar:

NM_006231.4(POLE):c.430C>A (p.His144Asn)

Gene: POLE (DNA polymerase epsilon, catalytic subunit; minus strand). Cytogenetic location: 12q24.33.
Variant type: single nucleotide variant.
Coding change: c.430C>A on transcript NM_006231.4 (MANE Select); coding-DNA position 430, C replaced by A.
Protein change: p.His144Asn; replaces histidine 144 with asparagine.
Molecular consequence: missense variant.
Genome position (GRCh38, 1-based): chr12:132,679,645, G>T on the plus strand (C>A on the coding strand, the complement: POLE is on the minus strand). VCF-style: chr12-132679645-G-T. GRCh37 (hg19) VCF-style: chr12-133256231-G-T.
Other names: short protein forms H144N.
Identifiers: ClinVar variation 1053936 (VCV001053936.9), dbSNP rs2136027826, ClinGen allele CA387367637.

ClinVar aggregate classification (germline): Uncertain significance (1 of 4 stars; one submission).

Allele frequency attached by ClinVar (database versions not stated): gnomAD exomes below 0.00001.
gnomAD v4.1: 1 of 1,609,542 alleles (0.000062%); highest among the groups gnomAD compares: Non-Finnish European, 0.000085%; no homozygotes.

Submission:

Labcorp Genetics (formerly Invitae), Labcorp
Classification: Uncertain significance. Last evaluated: 2020-08-20. Review status: criteria provided, single submitter. Criteria: Invitae Variant Classification Sherloc (09022015). Collection method: clinical testing. Allele origin: germline.
Comment: This sequence change replaces histidine with asparagine at codon 144 of the POLE protein (p.His144Asn). The histidine residue is highly conserved and there is a small physicochemical difference between histidine and asparagine. This variant is not present in population databases (ExAC no frequency). This variant has not been reported in the literature in individuals with POLE-related conditions. Algorithms developed to predict the effect of missense changes on protein structure and function are either unavailable or do not agree on the potential impact of this missense change (SIFT: "Deleterious"; PolyPhen-2: "Probably Damaging"; Align-GVGD: "Class C0"). In summary, the available evidence is currently insufficient to determine the role of this variant in disease. Therefore, it has been classified as a Variant of Uncertain Significance.